The following is an entry in ClinVar:

NM_181882.3(PRX):c.839C>T (p.Pro280Leu)

Gene: PRX (periaxin; minus strand). Cytogenetic location: 19q13.2.
Variant type: single nucleotide variant.
Coding change: c.839C>T on transcript NM_181882.3 (MANE Select); coding-DNA position 839, C replaced by T.
Protein change: p.Pro280Leu; replaces proline 280 with leucine.
Molecular consequence: missense variant. On other transcripts: 3 prime UTR variant (1).
Genome position (GRCh38, 1-based): chr19:40,397,513, G>A on the plus strand (C>T on the coding strand, the complement: PRX is on the minus strand). VCF-style: chr19-40397513-G-A. GRCh37 (hg19) VCF-style: chr19-40903420-G-A.
Other names: c.*1044C>T (NM_020956.2); short protein forms P280L.
Identifiers: ClinVar variation 543387 (VCV000543387.53), dbSNP rs557355077, ClinGen allele CA9444372.

ClinVar aggregate classification (germline): Uncertain significance. Review status: criteria provided, multiple submitters, no conflicts (2 of 4 stars). 6 submissions from 6 submitters: Uncertain significance (6). Last evaluated 2026-04-09.

Conditions:
PRX-related disorder. Also called: PRX-Related Disorders; PRX-related condition.
Charcot-Marie-Tooth disease type 4. Also called: Charcot-Marie-Tooth disease, type IV; Charcot-Marie-Tooth, Type 4. Identifiers: Orphanet 64749, MedGen C4082197, MONDO:0018995.
Inborn genetic diseases. Identifiers: MedGen C0950123, MeSH D030342.
Charcot-Marie-Tooth disease. Also called: Charcot-Marie-Tooth Neuropathy; Charcot-Marie-Tooth Hereditary Neuropathy. Identifiers: Orphanet 166, MedGen C0007959, MONDO:0015626.

Allele frequency attached by ClinVar (database versions not stated): TOPMed 0.00004; gnomAD 0.00005 and 0.00006; ExAC 0.00007; 1000 Genomes Project 30x 0.00016; 1000 Genomes Project 0.00020.
gnomAD v4.1: 223 of 1,548,932 alleles (0.014%); highest among the groups gnomAD compares: Non-Finnish European, 0.017%; no homozygotes.

Submissions (6):

PreventionGenetics, part of Exact Sciences
Classification: Uncertain significance for PRX-related condition. Last evaluated: 2026-04-09. Review status: criteria provided, single submitter. Criteria: ACMG Guidelines, 2015. Collection method: clinical testing. Allele origin: germline.
Comment: The PRX c.839C>T variant is predicted to result in the amino acid substitution p.Pro280Leu. This variant was reported as a variant of uncertain significance in an individual from a large cohort study of Charcot-Marie-Tooth disease; however, additional evidence was not provided (Volodarsky et al. 2021. PubMed ID: 32376792). This variant is reported in 0.013% of alleles in individuals of European (Finnish) descent in gnomAD. At this time, the clinical significance of this variant is uncertain due to the absence of conclusive functional and genetic evidence.

CeGaT Center for Human Genetics Tuebingen
Classification: Uncertain significance. Last evaluated: 2026-03-01. Review status: criteria provided, single submitter. Criteria: CeGaT Center For Human Genetics Tuebingen Variant Classification Criteria Version 2. Collection method: clinical testing. Allele origin: germline. Affected: yes. Observed: 2 variant alleles.
Comment: PRX: PM2

Labcorp Genetics (formerly Invitae), Labcorp
Classification: Uncertain significance for Charcot-Marie-Tooth disease type 4. Last evaluated: 2024-07-31. Review status: criteria provided, single submitter. Criteria: Invitae Variant Classification Sherloc (09022015). Collection method: clinical testing. Allele origin: germline.
Comment: This sequence change replaces proline, which is neutral and non-polar, with leucine, which is neutral and non-polar, at codon 280 of the PRX protein (p.Pro280Leu). This variant is present in population databases (rs557355077, gnomAD 0.01%). This missense change has been observed in individual(s) with clinical features of Charcot-Marie-Tooth disease (PMID: 32376792). ClinVar contains an entry for this variant (Variation ID: 543387). An algorithm developed to predict the effect of missense changes on protein structure and function (PolyPhen-2) suggests that this variant is likely to be disruptive. In summary, the available evidence is currently insufficient to determine the role of this variant in disease. Therefore, it has been classified as a Variant of Uncertain Significance.

Athena Diagnostics
Classification: Uncertain significance. Last evaluated: 2021-04-27. Review status: criteria provided, single submitter. Criteria: Athena Diagnostics criteria. Collection method: clinical testing. Allele origin: unknown.

Ambry Genetics
Classification: Uncertain significance for Inborn genetic diseases. Last evaluated: 2020-11-13. Review status: criteria provided, single submitter. Criteria: Ambry Variant Classification Scheme 2023. Collection method: clinical testing. Allele origin: germline.
Comment: The p.P280L variant (also known as c.839C>T), located in coding exon 4 of the PRX gene, results from a C to T substitution at nucleotide position 839. The proline at codon 280 is replaced by leucine, an amino acid with similar properties. This amino acid position is not well conserved in available vertebrate species. In addition, this alteration is predicted to be tolerated by in silico analysis. Since supporting evidence is limited at this time, the clinical significance of this alteration remains unclear.

Molecular Genetics Laboratory, London Health Sciences Centre
Classification: Uncertain significance for Charcot-Marie-Tooth disease. Review status: criteria provided, single submitter. Criteria: ACMG Guidelines, 2015. Collection method: clinical testing. Allele origin: germline. Affected: yes.

Literature cited by the submitters: PubMed 32376792 (cited by Labcorp Genetics (formerly Invitae), Labcorp).